The following is an entry in ClinVar:

ClinVar aggregate classification (germline): Uncertain significance (1 of 4 stars; one submission).

Submission:

Ambry Genetics
Classification: Uncertain significance. Last evaluated: 2026-05-14. Review status: criteria provided, single submitter. Criteria: Ambry Variant Classification Scheme 2023. Collection method: clinical testing. Allele origin: germline.
Comment: The p.H354Y variant (also known as c.1060C>T), located in coding exon 10 of the SRP72 gene, results from a C to T substitution at nucleotide position 1060. The histidine at codon 354 is replaced by tyrosine, an amino acid with similar properties. This amino acid position is conserved. In addition, this alteration is predicted to be tolerated by in silico analysis. Based on the available evidence, the clinical significance of this variant remains unclear.

NM_006947.4(SRP72):c.1060C>T (p.His354Tyr)

Gene: SRP72 (signal recognition particle 72; plus strand). Cytogenetic location: 4q12.
Variant type: single nucleotide variant.
Coding change: c.1060C>T on transcript NM_006947.4 (MANE Select); coding-DNA position 1060, C replaced by T.
Protein change: p.His354Tyr; replaces histidine 354 with tyrosine.
Molecular consequence: missense variant. On other transcripts: non-coding transcript variant (1).
Genome position (GRCh38, 1-based): chr4:56,484,838, C>T. VCF-style: chr4-56484838-C-T. GRCh37 (hg19) VCF-style: chr4-57351004-C-T.
Other names: c.877C>T, p.His293Tyr (NM_001267722.2); short protein forms H293Y, H354Y.
Identifiers: ClinVar variation 4865144 (VCV004865144.1).
Genomic context (GRCh38, chr4:56,484,838, plus strand): 5'-AGTCCCGAGCATCTCTTACCTGTGTTAATCCAAGCTGCCCAGCTCTGCCGTGAAAAGCAG[C>T]ACACAAAAGCAATAGAGCTGCTTCAGGTAAAATAATTACTTGAATGAGGTGTCAGACATT-3'
Protein context (NP_008878.3, residues 344-364): QAAQLCREKQ[His354Tyr]TKAIELLQEF